The following is an entry in ClinVar:

ClinVar aggregate classification (germline): Uncertain significance. Review status: criteria provided, multiple submitters, no conflicts (2 of 4 stars). 2 submissions from 2 submitters: Uncertain significance (2). Last evaluated 2022-08-21.

Conditions:
CXCR4-related disorder. Also called: CXCR4-related condition.
Warts, hypogammaglobulinemia, infections, and myelokathexis. Also called: WHIM syndrome. Identifiers: MedGen C0472817, MONDO:0023880.

Submissions (2):

Labcorp Genetics (formerly Invitae), Labcorp
Classification: Uncertain significance for Warts, hypogammaglobulinemia, infections, and myelokathexis. Last evaluated: 2022-08-21. Review status: criteria provided, single submitter. Criteria: Invitae Variant Classification Sherloc (09022015). Collection method: clinical testing. Allele origin: germline.
Comment: In summary, the available evidence is currently insufficient to determine the role of this variant in disease. Therefore, it has been classified as a Variant of Uncertain Significance. Algorithms developed to predict the effect of missense changes on protein structure and function are either unavailable or do not agree on the potential impact of this missense change (SIFT: "Deleterious"; PolyPhen-2: "Probably Damaging"; Align-GVGD: "Class C15"). This variant has not been reported in the literature in individuals affected with CXCR4-related conditions. This variant is not present in population databases (gnomAD no frequency). This sequence change replaces leucine, which is neutral and non-polar, with phenylalanine, which is neutral and non-polar, at codon 86 of the CXCR4 protein (p.Leu86Phe).

PreventionGenetics, part of Exact Sciences
Classification: Uncertain significance for CXCR4-related condition. Last evaluated: 2022-08-20. Review status: criteria provided, single submitter. Criteria: ACMG Guidelines, 2015. Collection method: clinical testing. Allele origin: germline.
Comment: The CXCR4 c.256C>T variant is predicted to result in the amino acid substitution p.Leu86Phe. To our knowledge, this variant has not been reported in the literature or in a large population database, indicating this variant is rare. At this time, the clinical significance of this variant is uncertain due to the absence of conclusive functional and genetic evidence.

NM_003467.3(CXCR4):c.256C>T (p.Leu86Phe)

Gene: CXCR4 (C-X-C motif chemokine receptor 4; minus strand). Cytogenetic location: 2q22.1.
Variant type: single nucleotide variant.
Coding change: c.256C>T on transcript NM_003467.3 (MANE Select); coding-DNA position 256, C replaced by T.
Protein change: p.Leu86Phe; replaces leucine 86 with phenylalanine.
Molecular consequence: missense variant.
Genome position (GRCh38, 1-based): chr2:136,115,672, G>A on the plus strand (C>T on the coding strand, the complement: CXCR4 is on the minus strand). VCF-style: chr2-136115672-G-A. GRCh37 (hg19) VCF-style: chr2-136873242-G-A.
Other names: c.268C>T, p.Leu90Phe (NM_001008540.2); c.469C>T, p.Leu157Phe (NM_001348056.2); c.355C>T, p.Leu119Phe (NM_001348059.2); c.211C>T, p.Leu71Phe (NM_001348060.2); short protein forms L119F, L157F, L71F, L86F, L90F.
Identifiers: ClinVar variation 1717508 (VCV001717508.7), dbSNP rs889949060, ClinGen allele CA348659786.